The following is an entry in ClinVar:

ClinVar aggregate classification (germline): Likely pathogenic (1 of 4 stars; one submission).

Conditions:
Hereditary cancer-predisposing syndrome. Also called: Neoplastic Syndromes, Hereditary; Tumor predisposition; Hereditary Cancer Syndrome; Hereditary neoplastic syndrome. Identifiers: Orphanet 140162, MedGen C0027672, MeSH D009386, MONDO:0015356.

Submission:

Ambry Genetics
Classification: Likely pathogenic for Hereditary cancer-predisposing syndrome. Last evaluated: 2026-04-16. Review status: criteria provided, single submitter. Criteria: Ambry Variant Classification Scheme 2023. Collection method: clinical testing. Allele origin: germline.
Comment: The c.2238-2A>G intronic variant results from an A to G substitution two nucleotides upstream from coding exon 9 in the AXIN2 gene. This nucleotide position is highly conserved in available vertebrate species. In silico splice site analysis predicts that this alteration will weaken the native splice acceptor site and will result in the creation or strengthening of a novel splice acceptor site; however, direct evidence is insufficient at this time (Ambry internal data). This variant is considered to be rare based on population cohorts in the Genome Aggregation Database (gnomAD). Variants that disrupt the canonical splice site are expected to cause aberrant splicing, resulting in an abnormal protein or a transcript that is subject to nonsense-mediated mRNA decay. As such, this variant is classified as likely pathogenic.

NM_004655.4(AXIN2):c.2238-2A>G

Gene: AXIN2 (axin 2; minus strand). Cytogenetic location: 17q24.1.
Variant type: single nucleotide variant.
Coding change: c.2238-2A>G on transcript NM_004655.4 (MANE Select); the canonical splice acceptor site of the intron before coding-DNA position 2238, A replaced by G.
Molecular consequence: splice acceptor variant.
Genome position (GRCh38, 1-based): chr17:65,534,081, T>C on the plus strand (A>G on the coding strand, the complement: AXIN2 is on the minus strand). VCF-style: chr17-65534081-T-C. GRCh37 (hg19) VCF-style: chr17-63530199-T-C.
Other names: c.2043-2A>G (NM_001363813.1).
Identifiers: ClinVar variation 4867301 (VCV004867301.1).
Genomic context (GRCh38, chr17:65,534,081, plus strand): 5'-CAACCAACTCACTGGCCTGGAGCGCGTGGACACCTGCCAGTTTCTTTGGCTCTTTGTGAC[T>C]GAAAATAAGATGGAATGGAACAAGTTTAGCATTTTAAAGCAGACACACATCTAAAGCAAA-3'